The following is an entry in ClinVar:

ClinVar aggregate classification (germline): Pathogenic (1 of 4 stars; one submission).

Conditions:
Hereditary cancer-predisposing syndrome. Also called: Neoplastic Syndromes, Hereditary; Tumor predisposition; Hereditary Cancer Syndrome; Hereditary neoplastic syndrome. Identifiers: Orphanet 140162, MedGen C0027672, MeSH D009386, MONDO:0015356.

Submission:

Ambry Genetics
Classification: Pathogenic for Hereditary cancer-predisposing syndrome. Last evaluated: 2022-06-09. Review status: criteria provided, single submitter. Criteria: Ambry Variant Classification Scheme 2023. Collection method: clinical testing. Allele origin: germline.
Comment: The c.1238_1239dupAA pathogenic mutation, located in coding exon 11 of the PMS2 gene, results from a duplication of AA at nucleotide position 1238, causing a translational frameshift with a predicted alternate stop codon (p.D414Kfs*35). This alteration is expected to result in loss of function by premature protein truncation or nonsense-mediated mRNA decay. As such, this alteration is interpreted as a disease-causing mutation.

NM_000535.7(PMS2):c.1238_1239dup (p.Asp414fs)

Gene: PMS2 (PMS1 homolog 2, mismatch repair system component; minus strand). Cytogenetic location: 7p22.1.
Variant type: Duplication.
Coding change: c.1238_1239dup on transcript NM_000535.7 (MANE Select); coding-DNA positions 1238 to 1239, 2 bases duplicated (AA; older notation c.1238_1239dupAA).
Protein change: p.Asp414fs; shifts the reading frame from aspartic acid 414.
Molecular consequence: frameshift variant. On other transcripts: non-coding transcript variant (1).
Genome position (GRCh38, 1-based): chr7:5,987,526-5,987,527, TT duplicated on the plus strand (AA on the coding strand, the reverse complement: PMS2 is on the minus strand); duplicating any 2 consecutive bases within chr7:5,987,526-5,987,533 gives the same sequence; the c. name uses the placement nearest the transcript's 3' end. VCF-style (leftmost placement, unchanged base first): chr7-5987525-C-CTT. GRCh37 (hg19) VCF-style: chr7-6027156-C-CTT.
Other names: c.671_672dup, p.Asp227Lysfs (NM_001406907.1, NM_001406906.1); c.827_828dup, p.Asp279Lysfs (NM_001406908.1, NM_001018040.1, NM_001406887.1 and 13 more transcripts); c.659_660dup, p.Asp223Lysfs (NM_001406909.1); c.719_720dup, p.Asp243Lysfs (NM_001406905.1, NM_001406904.1); c.833_834dup, p.Asp279fs (NM_001322003.2, NM_001322004.2, NM_001322005.2 and 1 more transcripts); c.1082_1083dup, p.Asp362fs (NM_001322006.2); c.920_921dup, p.Asp308fs (NM_001322007.2, NM_001322008.2); c.677_678dup, p.Asp227fs (NM_001322010.2); and 20 more; short protein forms D103fs, D311fs, D362fs, D223fs, D227fs, D279fs, D308fs, D414fs.
Identifiers: ClinVar variation 1757258 (VCV001757258.2), dbSNP rs267608159, ClinGen allele CA2580076981.